The following is an entry in ClinVar:

ClinVar aggregate classification (germline): Likely pathogenic (1 of 4 stars; one submission).

Conditions:
Frontotemporal dementia and/or amyotrophic lateral sclerosis 4. Also called: FTDALS4. Identifiers: Orphanet 275872, MedGen C4225325, MONDO:0014641, OMIM 616439.

Submission:

Labcorp Genetics (formerly Invitae), Labcorp
Classification: Likely pathogenic for Frontotemporal dementia and/or amyotrophic lateral sclerosis 4. Last evaluated: 2025-10-03. Review status: criteria provided, single submitter. Criteria: Invitae Variant Classification Sherloc (09022015). Collection method: clinical testing. Allele origin: germline.
Comment: This sequence change affects a donor splice site in intron 4 of the TBK1 gene. It is expected to disrupt RNA splicing. Variants that disrupt the donor or acceptor splice site typically lead to a loss of protein function (PMID: 16199547), and loss-of-function variants in TBK1 are known to be pathogenic (PMID: 25803835, 26476236, 26581300). This variant is not present in population databases (gnomAD no frequency). This variant has not been reported in the literature in individuals affected with TBK1-related conditions. Algorithms developed to predict the effect of sequence changes on RNA splicing suggest that this variant may disrupt the consensus splice site. In summary, the currently available evidence indicates that the variant is pathogenic, but additional data are needed to prove that conclusively. Therefore, this variant has been classified as Likely Pathogenic.

Literature cited by the submitters: PubMed 16199547; PubMed 25803835; PubMed 26476236; PubMed 26581300.

NM_013254.4(TBK1):c.358+1G>T

Gene: TBK1 (TANK binding kinase 1; plus strand). Cytogenetic location: 12q14.2.
Variant type: single nucleotide variant.
Coding change: c.358+1G>T on transcript NM_013254.4 (MANE Select); the canonical splice donor site of the intron after coding-DNA position 358, G replaced by T.
Molecular consequence: splice donor variant.
Genome position (GRCh38, 1-based): chr12:64,464,464, G>T. VCF-style: chr12-64464464-G-T. GRCh37 (hg19) VCF-style: chr12-64858244-G-T.
Identifiers: ClinVar variation 4728417 (VCV004728417.1).